The following is an entry in ClinVar:

ClinVar aggregate classification (germline): Benign/Likely benign. Review status: criteria provided, multiple submitters, no conflicts (2 of 4 stars). 3 submissions from 3 submitters: Benign (1); Likely benign (1). 1 of the submissions does not count toward it. Last evaluated 2026-02-04.

Conditions:
DGAT1-related disorder. Also called: DGAT1-related condition.

Allele frequency attached by ClinVar (database versions not stated): 1000 Genomes Project 0.00100; 1000 Genomes Project 30x 0.00109; TOPMed 0.00434; gnomAD 0.00509 and 0.00520; gnomAD exomes 0.00510; ESP Exome Variant Server 0.00539; ExAC 0.00553.
gnomAD v4.1: 12,457 of 1,603,776 alleles (0.78%); highest among the groups gnomAD compares: Non-Finnish European, 0.93%; 60 homozygotes.

Submissions (3):

Labcorp Genetics (formerly Invitae), Labcorp
Classification: Benign. Last evaluated: 2026-02-04. Review status: criteria provided, single submitter. Criteria: Invitae Variant Classification Sherloc (09022015). Collection method: clinical testing. Allele origin: germline.

CeGaT Center for Human Genetics Tuebingen
Classification: Likely benign. Last evaluated: 2025-04-01. Review status: criteria provided, single submitter. Criteria: CeGaT Center For Human Genetics Tuebingen Variant Classification Criteria Version 2. Collection method: clinical testing. Allele origin: germline. Affected: yes. Observed: 3 variant alleles.
Comment: DGAT1: BP4, BS2

PreventionGenetics, part of Exact Sciences
Classification: Benign for DGAT1-related condition. Last evaluated: 2019-05-30. Review status: no assertion criteria provided. Collection method: clinical testing. Allele origin: germline. Not counted in ClinVar's aggregate classification.
Comment: This variant is classified as benign based on ACMG/AMP sequence variant interpretation guidelines (Richards et al. 2015 PMID: 25741868, with internal and published modifications).

NM_012079.6(DGAT1):c.677-4G>A

Gene: DGAT1 (diacylglycerol O-acyltransferase 1; minus strand). Cytogenetic location: 8q24.3.
Variant type: single nucleotide variant.
Coding change: c.677-4G>A on transcript NM_012079.6 (MANE Select); 4 bases into the intron before coding-DNA position 677, G replaced by A.
Molecular consequence: intron variant.
Genome position (GRCh38, 1-based): chr8:144,318,173, C>T on the plus strand (G>A on the coding strand, the complement: DGAT1 is on the minus strand). VCF-style: chr8-144318173-C-T. GRCh37 (hg19) VCF-style: chr8-145541836-C-T.
Identifiers: ClinVar variation 784644 (VCV000784644.34), dbSNP rs200950681, ClinGen allele CA4936899.